The following is an entry in ClinVar:

ClinVar aggregate classification (germline): Likely benign. Review status: criteria provided, multiple submitters, no conflicts (2 of 4 stars). 2 submissions from 2 submitters: Likely benign (2). Last evaluated 2024-11-27.

Allele frequency attached by ClinVar (database versions not stated): gnomAD 0.00003; gnomAD exomes 0.00003; TOPMed 0.00006.
gnomAD v4.1: 37 of 1,299,160 alleles (0.0028%); highest among the groups gnomAD compares: Non-Finnish European, 0.0037%; no homozygotes.

Submissions (2):

Blueprint Genetics
Classification: Likely benign. Last evaluated: 2024-11-27. Review status: criteria provided, single submitter. Criteria: ACMG Guidelines, 2015. Collection method: clinical testing. Allele origin: germline.

CeGaT Center for Human Genetics Tuebingen
Classification: Likely benign. Last evaluated: 2023-07-01. Review status: criteria provided, single submitter. Criteria: CeGaT Center For Human Genetics Tuebingen Variant Classification Criteria Version 2. Collection method: clinical testing. Allele origin: germline. Affected: yes. Observed: 1 variant allele.
Comment: ABCA2: BP4, BP7

NM_001606.5(ABCA2):c.4785G>A (p.Ser1595=)

Gene: ABCA2 (ATP binding cassette subfamily A member 2; minus strand). Cytogenetic location: 9q34.3.
Variant type: single nucleotide variant.
Coding change: c.4785G>A on transcript NM_001606.5 (MANE Select); coding-DNA position 4785, G replaced by A.
Protein change: p.Ser1595=; no amino-acid change (serine 1595 retained).
Molecular consequence: synonymous variant.
Genome position (GRCh38, 1-based): chr9:137,013,084, C>T on the plus strand (G>A on the coding strand, the complement: ABCA2 is on the minus strand). VCF-style: chr9-137013084-C-T. GRCh37 (hg19) VCF-style: chr9-139907536-C-T.
Other names: c.4782G>A, p.Ser1594= (NM_001411042.1); c.4875G>A, p.Ser1625= (NM_212533.3).
Identifiers: ClinVar variation 2659774 (VCV002659774.25), dbSNP rs974096352, ClinGen allele CA201700662.